The following is an entry in ClinVar:

ClinVar aggregate classification (germline): Pathogenic/Likely pathogenic. Review status: criteria provided, multiple submitters, no conflicts (2 of 4 stars). 5 submissions from 5 submitters: Pathogenic (1); Likely pathogenic (4). Last evaluated 2026-08-05.

Conditions:
Inborn genetic diseases. Identifiers: MedGen C0950123, MeSH D030342.
Complex cortical dysplasia with other brain malformations 6. Identifiers: MedGen C4014283, MONDO:0014341, OMIM 615771.

Submissions (5):

Ambry Genetics
Classification: Likely pathogenic for Inborn genetic diseases. Last evaluated: 2026-08-05. Review status: criteria provided, single submitter. Criteria: Ambry Variant Classification Scheme 2023. Collection method: clinical testing. Allele origin: germline.
Comment: The c.155A>G (p.N52S) alteration is located in exon 2 (coding exon 2) of the TUBB gene. This alteration results from a A to G substitution at nucleotide position 155, causing the asparagine (N) at amino acid position 52 to be replaced by a serine (S). This variant was not reported in population-based cohorts in the Genome Aggregation Database (gnomAD). This variant was reported in individual(s) with features consistent with TUBB-related multiple congenital anomalies; in at least one individual, it was determined to be de novo (Sferra, 2020; Komatsu, 2024; Durizot, 2025; Liu, 2026). Another variant at the same codon, c.155A>T, (p.N52I), has been identified in an individual with partial agenesis of the corpus callosum, optic disc hypoplasia and moderate intellectual disability (DECIPHER). This amino acid position is highly conserved in available vertebrate species. This missense variant is located in a region that has a low rate of benign missense variation (Lek, 2016; Firth, 2009). This alteration is predicted to be tolerated by in silico analysis. Based on the available evidence, this alteration is classified as likely pathogenic.

GeneDx
Classification: Pathogenic. Last evaluated: 2025-10-07. Review status: criteria provided, single submitter. Criteria: GeneDx Variant Classification Process June 2021. Collection method: clinical testing. Allele origin: germline. Affected: yes.
Comment: Not observed at significant frequency in large population cohorts (gnomAD); In silico analysis suggests that this missense variant does not alter protein structure/function; This variant is associated with the following publications: (PMID: 32085672, 40614697)

Victorian Clinical Genetics Services, Murdoch Childrens Research Institute
Classification: Likely pathogenic for Complex cortical dysplasia with other brain malformations 6. Last evaluated: 2025-01-15. Review status: criteria provided, single submitter. Criteria: ACMG Guidelines, 2015. Collection method: clinical testing. Allele origin: germline. Affected: yes.
Comment: This variant is classified as Likely pathogenic. Evidence in support of pathogenic classification: Variant is absent from gnomAD (v2, v3 and v4); This variant has strong previous evidence of pathogenicity in unrelated individuals. This variant has been classified as likely pathogenic by clinical laboratories in ClinVar, and has been reported in the literature in two de novo individuals with brain abnormalities or paediatric neurological disorder (PMID: 32085672, 39433808); This variant has moderate functional evidence supporting abnormal protein function. This variant was found to disrupt microtubule spatial organisation and impair intracellular transport of endocytic vesicles in an affected individual's fibroblasts (PMID: 32085672); Another missense variant comparable to the one identified in this case has limited previous evidence for pathogenicity. p.(Asn52Ile) has been classified as likely pathogenic in a de novo individual with clinical features including partial agenesis of the corpus callosum, bicuspic aortic valve, optic disc hypoplasia and intellectual disability (DECIPHER); Missense variant in a region that is highly intolerant to missense variation (high constraint region in DECIPHER). Additional information: Variant is predicted to result in a missense amino acid change from asparagine to serine; This variant is heterozygous; This gene is associated with autosomal dominant disease; No published segregation evidence has been identified for this variant; Missense variant with inconclusive in silico prediction and uninformative conservation; The mechanism of disease for this gene is not clearly established; Variants in this gene are known to have variable expressivity (PMID: 33016642, 29427453).

Institute of Human Genetics, University of Leipzig Medical Center
Classification: Likely pathogenic for Complex cortical dysplasia with other brain malformations 6. Last evaluated: 2024-10-09. Review status: criteria provided, single submitter. Criteria: ACMG Guidelines, 2015. Collection method: clinical testing. Allele origin: de novo. Inheritance: Autosomal dominant inheritance. Affected: yes.
Comment: Criteria applied: PS4_MOD,PM2,PS2,PM5_SUP,PP2

Equipe Genetique des Anomalies du Developpement, Université de Bourgogne
Classification: Likely pathogenic for Complex cortical dysplasia with other brain malformations 6. Last evaluated: 2023-02-19. Review status: criteria provided, single submitter. Criteria: ACMG Guidelines, 2015. Collection method: clinical testing. Allele origin: maternal. Affected: yes.

Literature cited by the submitters: PubMed 32085672 (cited by 3 submitters); PubMed 39433808 (cited by Ambry Genetics and Victorian Clinical Genetics Services, Murdoch Childrens Research Institute); PubMed 40614697 (cited by Ambry Genetics); PubMed 41663304 (cited by Ambry Genetics); PubMed 29427453 (cited by Victorian Clinical Genetics Services, Murdoch Childrens Research Institute); PubMed 33016642 (cited by Victorian Clinical Genetics Services, Murdoch Childrens Research Institute).

NM_178014.4(TUBB):c.155A>G (p.Asn52Ser)

Gene: TUBB (tubulin beta class I; plus strand). Cytogenetic location: 6p21.33.
Variant type: single nucleotide variant.
Coding change: c.155A>G on transcript NM_178014.4 (MANE Select); coding-DNA position 155, A replaced by G.
Protein change: p.Asn52Ser; replaces asparagine 52 with serine.
Molecular consequence: missense variant. On other transcripts: 5 prime UTR variant (2), non-coding transcript variant (1), intron variant (1).
Genome position (GRCh38, 1-based): chr6:30,722,634, A>G. VCF-style: chr6-30722634-A-G. GRCh37 (hg19) VCF-style: chr6-30690411-A-G.
Other names: c.215A>G, p.Asn72Ser (NM_001293212.2); c.155A>G, p.Asn52Ser (NM_001293213.2); c.-62A>G (NM_001293215.2, NM_001293216.2); c.35-284A>G (NM_001293214.2); c.155A>G (NM_178014.2); short protein forms N72S, N52S.
Identifiers: ClinVar variation 2136013 (VCV002136013.12), dbSNP rs2536600951, ClinGen allele CA363142923.